The following is an entry in ClinVar:

NM_144973.4(DENND5B):c.1141G>A (p.Glu381Lys)

Gene: DENND5B (DENN domain containing 5B; minus strand). Cytogenetic location: 12p11.21.
Variant type: single nucleotide variant.
Coding change: c.1141G>A on transcript NM_144973.4 (MANE Select); coding-DNA position 1141, G replaced by A.
Protein change: p.Glu381Lys; replaces glutamic acid 381 with lysine.
Molecular consequence: missense variant.
Genome position (GRCh38, 1-based): chr12:31,452,428, C>T on the plus strand (G>A on the coding strand, the complement: DENND5B is on the minus strand). VCF-style: chr12-31452428-C-T. GRCh37 (hg19) VCF-style: chr12-31605362-C-T.
Other names: c.1246G>A, p.Glu416Lys (NM_001308339.2); c.1207G>A, p.Glu403Lys (NM_001366890.1, NM_001366893.1); c.610G>A, p.Glu204Lys (NM_001366891.1); c.1141G>A, p.Glu381Lys (NM_001366892.1); short protein forms E204K, E381K, E403K, E416K.
Identifiers: ClinVar variation 3343430 (VCV003343430.2).
Genomic context (GRCh38, chr12:31,452,428, plus strand): 5'-CAAGAACCTCAGAGAGTTCTTGGATAAAATCCACTTTATTGGGGAACTGTGGAAATTCTT[C>T]AGGCAACTCAATAAAATGGTTGTCAATGTCCACAAAACACAAATTAGCCTGAAAGAGAAA-3'
Protein context (NP_659410.3, residues 371-391): DIDNHFIELP[Glu381Lys]EFPQFPNKVD

ClinVar aggregate classification (germline): Uncertain significance. Review status: criteria provided, multiple submitters, no conflicts (2 of 4 stars). 2 submissions from 2 submitters: Uncertain significance (2). Last evaluated 2026-03-09.

Submissions (2):

Ambry Genetics
Classification: Uncertain significance. Last evaluated: 2026-03-09. Review status: criteria provided, single submitter. Criteria: Ambry Variant Classification Scheme 2023. Collection method: clinical testing. Allele origin: germline.
Comment: The c.1141G>A (p.E381K) alteration is located in coding exon 5 of the DENND5B gene. This alteration results from a G to A substitution at nucleotide position 1141, causing the glutamic acid (E) at amino acid position 381 to be replaced by a lysine (K). This variant was not reported in population-based cohorts in the Genome Aggregation Database (gnomAD). This amino acid position is highly conserved in available vertebrate species. The in silico prediction for this alteration is inconclusive. Based on insufficient or conflicting evidence, the clinical significance of this alteration remains unclear.

GeneDx
Classification: Uncertain significance. Last evaluated: 2023-05-17. Review status: criteria provided, single submitter. Criteria: GeneDx Variant Classification Process June 2021. Collection method: clinical testing. Allele origin: germline. Affected: yes.
Comment: Not observed at significant frequency in large population cohorts (gnomAD); In silico analysis supports that this missense variant has a deleterious effect on protein structure/function; Has not been previously published as pathogenic or benign to our knowledge; Variants in candidate genes are classified as variants of uncertain significance in accordance with ACMG guidelines (Richards et al., 2015)